The following is an entry in ClinVar:

ClinVar aggregate classification (germline): Pathogenic/Likely pathogenic. Review status: criteria provided, multiple submitters, no conflicts (2 of 4 stars). 2 submissions from 2 submitters: Pathogenic (1); Likely pathogenic (1). Last evaluated 2025-09-16.

Conditions:
Becker muscular dystrophy, Cardiomyopathy, Duchenne muscular dystrophy, Dystrophin deficiency.
Duchenne muscular dystrophy (DMD). Also called: MUSCULAR DYSTROPHY, PSEUDOHYPERTROPHIC PROGRESSIVE, DUCHENNE TYPE; Duchenne Muscular Dystrophy (DMD). Identifiers: Orphanet 98896, MedGen C0013264, MONDO:0010679, OMIM 310200.

Submissions (2):

Natera, Inc.
Classification: Likely pathogenic for Becker muscular dystrophy, Cardiomyopathy, Duchenne muscular dystrophy, Dystrophin deficiency. Last evaluated: 2025-09-16. Review status: criteria provided, single submitter. Criteria: Natera Variant Classification Schema (03/2026). Collection method: clinical testing. Allele origin: germline.
Comment: The c.7616dup variant in DMD is a frameshift variant predicted to shift the reading frame beginning at codon 2539 and leads to a stop codon 9 codons downstream. This variant is expected to result in nonsense mediated decay, truncation, or a dysfunctional protein product. This variant is rare in the general population with a frequency below the threshold expected for the associated phenotype(s). Given the available evidence, this variant is classified as Likely Pathogenic.

Labcorp Genetics (formerly Invitae), Labcorp
Classification: Pathogenic for Duchenne muscular dystrophy. Last evaluated: 2021-04-27. Review status: criteria provided, single submitter. Criteria: Invitae Variant Classification Sherloc (09022015). Collection method: clinical testing. Allele origin: germline.
Comment: This variant is not present in population databases (ExAC no frequency). For these reasons, this variant has been classified as Pathogenic. Loss-of-function variants in DMD are known to be pathogenic (PMID: 16770791, 25007885). This variant has not been reported in the literature in individuals with DMD-related disease. This sequence change creates a premature translational stop signal (p.Asn2539Lysfs*9) in the DMD gene. It is expected to result in an absent or disrupted protein product.

Literature cited by the submitters: PubMed 16770791 (cited by Labcorp Genetics (formerly Invitae), Labcorp); PubMed 25007885 (cited by Labcorp Genetics (formerly Invitae), Labcorp).

NM_004006.3(DMD):c.7616dup (p.Asn2539fs)

Gene: DMD (dystrophin; minus strand). Cytogenetic location: Xp21.1.
Variant type: Duplication.
Coding change: c.7616dup on transcript NM_004006.3 (MANE Select); coding-DNA position 7616, one base duplicated (A; older notation c.7616dupA).
Protein change: p.Asn2539fs; shifts the reading frame from asparagine 2539.
Molecular consequence: frameshift variant.
Genome position (GRCh38, 1-based): chrX:31,729,675, T duplicated on the plus strand (A on the coding strand, the reverse complement: DMD is on the minus strand); the first of 5 consecutive T bases (chrX:31,729,675-31,729,679); duplicating any one gives the same sequence. VCF-style (leftmost placement, unchanged base first): chrX-31729674-G-GT. GRCh37 (hg19) VCF-style: chrX-31747791-G-GT.
Other names: c.7616dupA (NM_004006.2); c.7616dup (NM_004006.2); c.7592dup, p.Asn2531fs (NM_000109.4); c.7604dup, p.Asn2535fs (NM_004009.3); c.7247dup, p.Asn2416fs (NM_004010.3); c.3593dup, p.Asn1198fs (NM_004011.4); c.3584dup, p.Asn1195fs (NM_004012.4); c.236dup, p.Asn79fs (NM_004013.3, NM_004020.4, NM_004021.3 and 2 more transcripts); short protein forms N2535fs, N1195fs, N2416fs, N2531fs, N1198fs, N2539fs, N79fs.
Identifiers: ClinVar variation 646368 (VCV000646368.8), dbSNP rs1603452196, ClinGen allele CA915950829.